The following is an entry in ClinVar:

ClinVar aggregate classification (germline): Uncertain significance. Review status: criteria provided, multiple submitters, no conflicts (2 of 4 stars). 2 submissions from 2 submitters: Uncertain significance (2). Last evaluated 2025-01-06.

Conditions:
Nail-patella syndrome (NPS). Also called: FONG DISEASE; ONYCHOOSTEODYSPLASIA; TURNER-KIESER SYNDROME. Identifiers: Orphanet 2614, MedGen C0027341, MONDO:0008061, OMIM 161200.

Allele frequency attached by ClinVar (database versions not stated): gnomAD exomes below 0.00001; TOPMed below 0.00001; gnomAD 0.00001.
gnomAD v4.1: 4 of 1,613,604 alleles (0.00025%); highest among the groups gnomAD compares: African/African-American, 0.004%; no homozygotes.

Submissions (2):

GeneDx
Classification: Uncertain significance. Last evaluated: 2025-01-06. Review status: criteria provided, single submitter. Criteria: GeneDx Variant Classification Process June 2021. Collection method: clinical testing. Allele origin: germline. Affected: yes.
Comment: Not observed at significant frequency in large population cohorts (gnomAD); In silico analysis indicates that this missense variant does not alter protein structure/function; Has not been previously published as pathogenic or benign to our knowledge

Illumina Laboratory Services, Illumina
Classification: Uncertain significance for Nail-patella syndrome. Last evaluated: 2018-01-12. Review status: criteria provided, single submitter. Criteria: ICSL Variant Classification Criteria 13 December 2019. Collection method: clinical testing. Allele origin: germline.

NM_001174147.2(LMX1B):c.520G>A (p.Asp174Asn)

Gene: LMX1B (LIM homeobox transcription factor 1 beta; plus strand). Cytogenetic location: 9q33.3.
Variant type: single nucleotide variant.
Coding change: c.520G>A on transcript NM_001174147.2 (MANE Select); coding-DNA position 520, G replaced by A.
Protein change: p.Asp174Asn; replaces aspartic acid 174 with asparagine.
Molecular consequence: missense variant.
Genome position (GRCh38, 1-based): chr9:126,691,029, G>A. VCF-style: chr9-126691029-G-A. GRCh37 (hg19) VCF-style: chr9-129453308-G-A.
Other names: c.520G>A, p.Asp174Asn (NM_001174146.2, NM_002316.4); short protein forms D174N.
Identifiers: ClinVar variation 914597 (VCV000914597.5), dbSNP rs1766593692, ClinGen allele CA374912846.